The following is an entry in ClinVar:

NM_014989.7(RIMS1):c.4835A>C (p.Glu1612Ala)

Gene: RIMS1 (regulating synaptic membrane exocytosis 1; plus strand). Cytogenetic location: 6q13.
Variant type: single nucleotide variant.
Coding change: c.4835A>C on transcript NM_014989.7 (MANE Select); coding-DNA position 4835, A replaced by C.
Protein change: p.Glu1612Ala; replaces glutamic acid 1612 with alanine.
Molecular consequence: missense variant.
Genome position (GRCh38, 1-based): chr6:72,399,069, A>C. VCF-style: chr6-72399069-A-C. GRCh37 (hg19) VCF-style: chr6-73108771-A-C.
Other names: c.2795A>C, p.Glu932Ala (NM_001168407.2); c.2210A>C, p.Glu737Ala (NM_001168408.2, NM_001350430.2); c.2039A>C, p.Glu680Ala (NM_001168409.2); c.2237A>C, p.Glu746Ala (NM_001168410.2); c.416A>C, p.Glu139Ala (NM_001168411.2); c.2756A>C, p.Glu919Ala (NM_001350414.2); c.2852A>C, p.Glu951Ala (NM_001350415.2); c.2801A>C, p.Glu934Ala (NM_001350416.2); and 54 more; short protein forms E1612A, E680A, E738A, E788A, E821A, E827A, E848A, E892A.
Identifiers: ClinVar variation 854022 (VCV000854022.10), dbSNP rs2098810988, ClinGen allele CA364821301.
Genomic context (GRCh38, chr6:72,399,069, plus strand): 5'-AGACAAGAATTGCACGAAAAACCCTTGATCCTTTGTATCAGCAGTCTCTGGTTTTTGATG[A>C]AAGTCCACAGGGTAAAGTTCTTCAGGTCAGTAATAGTTTGTTTGGCTTTTTACATTGAAA-3'
Protein context (NP_055804.2, residues 1602-1622): PLYQQSLVFD[Glu1612Ala]SPQGKVLQVI

ClinVar aggregate classification (germline): Uncertain significance (1 of 4 stars; one submission).

Allele frequency attached by ClinVar (database versions not stated): TOPMed below 0.00001.

Submission:

Labcorp Genetics (formerly Invitae), Labcorp
Classification: Uncertain significance. Last evaluated: 2019-12-17. Review status: criteria provided, single submitter. Criteria: Invitae Variant Classification Sherloc (09022015). Collection method: clinical testing. Allele origin: germline.
Comment: This sequence change replaces glutamic acid with alanine at codon 1612 of the RIMS1 protein (p.Glu1612Ala). The glutamic acid residue is highly conserved and there is a moderate physicochemical difference between glutamic acid and alanine. This variant is not present in population databases (ExAC no frequency). This variant has not been reported in the literature in individuals with RIMS1-related conditions. Algorithms developed to predict the effect of missense changes on protein structure and function are either unavailable or do not agree on the potential impact of this missense change (SIFT: "Deleterious"; PolyPhen-2: "Possibly Damaging"; Align-GVGD: "Class C0"). In summary, the available evidence is currently insufficient to determine the role of this variant in disease. Therefore, it has been classified as a Variant of Uncertain Significance.